The following is an entry in ClinVar:

ClinVar aggregate classification (germline): Likely benign (1 of 4 stars; one submission).

Conditions:
Familial apolipoprotein C-II deficiency. Also called: APOC2 DEFICIENCY; C-II ANAPOLIPOPROTEINEMIA; HYPERLIPOPROTEINEMIA, TYPE IB. Identifiers: Orphanet 309020, Orphanet 444490, MedGen C1720779, MONDO:0008810, OMIM 207750.

Allele frequency attached by ClinVar (database versions not stated): 1000 Genomes Project 0.00060; gnomAD 0.00060 and 0.00063; 1000 Genomes Project 30x 0.00062; TOPMed 0.00066.
gnomAD v4.1: 131 of 573,446 alleles (0.023%); highest among the groups gnomAD compares: African/African-American, 0.21%; no homozygotes.

Submission:

Illumina Laboratory Services, Illumina
Classification: Likely benign for Familial apolipoprotein C-II deficiency. Last evaluated: 2018-01-13. Review status: criteria provided, single submitter. Criteria: ICSL Variant Classification Criteria 13 December 2019. Collection method: clinical testing. Allele origin: germline.
Comment: This variant was observed in the ICSL laboratory as part of a predisposition screen in an ostensibly healthy population. It had not been previously curated by ICSL or reported in the Human Gene Mutation Database (HGMD: prior to June 1st, 2018), and was therefore a candidate for classification through an automated scoring system. Utilizing variant allele frequency, disease prevalence and penetrance estimates, and inheritance mode, an automated score was calculated to assess if this variant is too frequent to cause the disease. Based on the score and internal cut-off values, a variant classified as likely benign is not then subjected to further curation. The score for this variant resulted in a classification of likely benign for this disease.

NM_000483.5(APOC2):c.*236C>T

Genes: APOC2 (apolipoprotein C2; plus strand), APOC4-APOC2 (APOC4-APOC2 readthrough (NMD candidate); plus strand). Cytogenetic location: 19q13.32.
Variant type: single nucleotide variant.
Coding change: c.*236C>T on transcript NM_000483.5 (MANE Select); 236 bases downstream of the stop codon, C replaced by T.
Molecular consequence: 3 prime UTR variant. On other transcripts: non-coding transcript variant (1).
Genome position (GRCh38, 1-based): chr19:44,949,485, C>T. VCF-style: chr19-44949485-C-T. GRCh37 (hg19) VCF-style: chr19-45452742-C-T.
Identifiers: ClinVar variation 329462 (VCV000329462.5), dbSNP rs142212854, ClinGen allele CA10652060.
Genomic context (GRCh38, chr19:44,949,485, plus strand): 5'-TGAGGACTCAAGGGCCAAGATGGAGGGGCTGACTCAGTCCAGCCAACATTTAATGAGCAC[C>T]TACTTTATGTATGGAGCTCTAACCCATGGGTCCATGGGAATAAAGCAGTGAATAGTAACA-3'